The following is an entry in ClinVar:

NM_004958.4(MTOR):c.5786C>T (p.Ala1929Val)

Gene: MTOR (mechanistic target of rapamycin kinase; minus strand). Cytogenetic location: 1p36.22.
Variant type: single nucleotide variant.
Coding change: c.5786C>T on transcript NM_004958.4 (MANE Select); coding-DNA position 5786, C replaced by T.
Protein change: p.Ala1929Val; replaces alanine 1929 with valine.
Molecular consequence: missense variant.
Genome position (GRCh38, 1-based): chr1:11,128,880, G>A on the plus strand (C>T on the coding strand, the complement: MTOR is on the minus strand). VCF-style: chr1-11128880-G-A. GRCh37 (hg19) VCF-style: chr1-11188937-G-A.
Other names: c.5786C>T, p.Ala1929Val (NM_001386500.1); c.4538C>T, p.Ala1513Val (NM_001386501.1); short protein forms A1513V, A1929V.
Identifiers: ClinVar variation 1356392 (VCV001356392.8), dbSNP rs2100419161, ClinGen allele CA338396641.

ClinVar aggregate classification (germline): Uncertain significance (1 of 4 stars; one submission).

Submission:

Labcorp Genetics (formerly Invitae), Labcorp
Classification: Uncertain significance. Last evaluated: 2022-10-13. Review status: criteria provided, single submitter. Criteria: Invitae Variant Classification Sherloc (09022015). Collection method: clinical testing. Allele origin: germline.
Comment: Advanced modeling of protein sequence and biophysical properties (such as structural, functional, and spatial information, amino acid conservation, physicochemical variation, residue mobility, and thermodynamic stability) performed at Invitae indicates that this missense variant is not expected to disrupt MTOR protein function. ClinVar contains an entry for this variant (Variation ID: 1356392). This variant has not been reported in the literature in individuals affected with MTOR-related conditions. This variant is not present in population databases (gnomAD no frequency). This sequence change replaces alanine, which is neutral and non-polar, with valine, which is neutral and non-polar, at codon 1929 of the MTOR protein (p.Ala1929Val). In summary, the available evidence is currently insufficient to determine the role of this variant in disease. Therefore, it has been classified as a Variant of Uncertain Significance.